The following is an entry in ClinVar:

NM_003183.6(ADAM17):c.275A>C (p.Gln92Pro)

Gene: ADAM17 (ADAM metallopeptidase domain 17; minus strand). Cytogenetic location: 2p25.1.
Variant type: single nucleotide variant.
Coding change: c.275A>C on transcript NM_003183.6 (MANE Select); coding-DNA position 275, A replaced by C.
Protein change: p.Gln92Pro; replaces glutamine 92 with proline.
Molecular consequence: missense variant. On other transcripts: 5 prime UTR variant (2).
Genome position (GRCh38, 1-based): chr2:9,536,784, T>G on the plus strand (A>C on the coding strand, the complement: ADAM17 is on the minus strand). VCF-style: chr2-9536784-T-G. GRCh37 (hg19) VCF-style: chr2-9676913-T-G.
Other names: c.-406A>C (NM_001382777.1); c.-648A>C (NM_001382778.1); short protein forms Q92P.
Identifiers: ClinVar variation 1440006 (VCV001440006.4), dbSNP rs2125035520, ClinGen allele CA345786425.
Genomic context (GRCh38, chr2:9,536,784, plus strand): 5'-TGCCATTTTACAGTGTACTCGCTTTCGTTTTTACCATCCACCACCACGACCTTGAAATTT[T>G]GTGAAAAACGTTCAGTACTTGATGTCAGGTATAATTTAAAATGCCTGAAGAAAAATGCAT-3'
Protein context (NP_003174.3, residues 82-102): YLTSSTERFS[Gln92Pro]NFKVVVVDGK

ClinVar aggregate classification (germline): Uncertain significance (1 of 4 stars; one submission).

Conditions:
Inflammatory skin and bowel disease, neonatal, 1. Identifiers: Orphanet 294023, MedGen C3280501, MONDO:0013693, OMIM 614328.

Submission:

Labcorp Genetics (formerly Invitae), Labcorp
Classification: Uncertain significance for Inflammatory skin and bowel disease, neonatal, 1. Last evaluated: 2021-11-18. Review status: criteria provided, single submitter. Criteria: Invitae Variant Classification Sherloc (09022015). Collection method: clinical testing. Allele origin: germline.
Comment: This sequence change replaces glutamine, which is neutral and polar, with proline, which is neutral and non-polar, at codon 92 of the ADAM17 protein (p.Gln92Pro). In summary, the available evidence is currently insufficient to determine the role of this variant in disease. Therefore, it has been classified as a Variant of Uncertain Significance. Algorithms developed to predict the effect of missense changes on protein structure and function are either unavailable or do not agree on the potential impact of this missense change (SIFT: "Not Available"; PolyPhen-2: "Benign"; Align-GVGD: "Not Available"). This variant has not been reported in the literature in individuals affected with ADAM17-related conditions. This variant is not present in population databases (gnomAD no frequency).